The following is an entry in ClinVar:

NM_013444.4(UBQLN2):c.1164G>A (p.Ser388=)

Gene: UBQLN2 (ubiquilin 2; plus strand). Cytogenetic location: Xp11.21.
Variant type: single nucleotide variant.
Coding change: c.1164G>A on transcript NM_013444.4 (MANE Select); coding-DNA position 1164, G replaced by A.
Protein change: p.Ser388=; no amino-acid change (serine 388 retained).
Molecular consequence: synonymous variant.
Genome position (GRCh38, 1-based): chrX:56,565,037, G>A. VCF-style: chrX-56565037-G-A. GRCh37 (hg19) VCF-style: chrX-56591470-G-A.
Identifiers: ClinVar variation 4084564 (VCV004084564.8).

ClinVar aggregate classification (germline): Likely benign (1 of 4 stars; one submission).

gnomAD v4.1: 12 of 1,210,212 alleles (0.00099%); highest among the groups gnomAD compares: African/African-American, 0.0087%; no homozygotes.

Submission:

CeGaT Center for Human Genetics Tuebingen
Classification: Likely benign. Last evaluated: 2025-07-01. Review status: criteria provided, single submitter. Criteria: CeGaT Center For Human Genetics Tuebingen Variant Classification Criteria Version 2. Collection method: clinical testing. Allele origin: germline. Affected: yes. Observed: 1 variant allele.
Comment: UBQLN2: BP4, BP7